The following is an entry in ClinVar:

NM_025000.4(DCAF17):c.27G>A (p.Val9=)

Genes: DCAF17 (DDB1 and CUL4 associated factor 17; plus strand), METTL8 (methyltransferase 8, tRNA N3-cytidine; minus strand). Cytogenetic location: 2q31.1.
Variant type: single nucleotide variant.
Coding change: c.27G>A on transcript NM_025000.4 (MANE Select); coding-DNA position 27, G replaced by A.
Protein change: p.Val9=; no amino-acid change (valine 9 retained).
Molecular consequence: synonymous variant. On other transcripts: non-coding transcript variant (1), intron variant (4).
Genome position (GRCh38, 1-based): chr2:171,434,604, G>A. VCF-style: chr2-171434604-G-A. GRCh37 (hg19) VCF-style: chr2-172291114-G-A.
Other names: c.27G>A, p.Val9= (NM_001164821.2); c.8+70C>T (NM_001321161.2, NM_001321158.2, NM_001321157.2); c.-13+70C>T (NM_024770.5).
Identifiers: ClinVar variation 894073 (VCV000894073.27), dbSNP rs570110822, ClinGen allele CA1964535.

ClinVar aggregate classification (germline): Conflicting classifications of pathogenicity. Review status: criteria provided, conflicting classifications (1 of 4 stars). 4 submissions from 4 submitters: Uncertain significance (2); Likely benign (2). Last evaluated 2025-12-30.

Conditions:
Woodhouse-Sakati syndrome. Also called: Hypogonadism, Alopecia, Diabetes Mellitus, Mental Retardation, and Extrapyramidal Syndrome; Hypogonadism, diabetes mellitus, alopecia, mental retardation and electrocardiographic abnormalities; EXTRAPYRAMIDAL DISORDER, PROGRESSIVE, WITH PRIMARY HYPOGONADISM, MENTAL RETARDATION, AND ALOPECIA. Identifiers: Orphanet 3464, MedGen C0342286, MONDO:0009419, OMIM 241080.

Allele frequency attached by ClinVar (database versions not stated): gnomAD 0.00008 and 0.00015; TOPMed 0.00014; 1000 Genomes Project 30x 0.00078; 1000 Genomes Project 0.00060; ExAC 0.00019; gnomAD exomes 0.00021.
gnomAD v4.1: 137 of 1,528,262 alleles (0.009%); highest among the groups gnomAD compares: East Asian, 0.25%; 1 homozygote.

Submissions (4):

Labcorp Genetics (formerly Invitae), Labcorp
Classification: Likely benign for Woodhouse-Sakati syndrome. Last evaluated: 2025-12-30. Review status: criteria provided, single submitter. Criteria: Invitae Variant Classification Sherloc (09022015). Collection method: clinical testing. Allele origin: germline.

Blueprint Genetics
Classification: Uncertain significance. Last evaluated: 2024-09-23. Review status: criteria provided, single submitter. Criteria: ACMG Guidelines, 2015. Collection method: clinical testing. Allele origin: germline.

CeGaT Center for Human Genetics Tuebingen
Classification: Likely benign. Last evaluated: 2024-07-01. Review status: criteria provided, single submitter. Criteria: CeGaT Center For Human Genetics Tuebingen Variant Classification Criteria Version 2. Collection method: clinical testing. Allele origin: germline. Affected: yes. Observed: 1 variant allele.
Comment: DCAF17: BP4, BP7

Illumina Laboratory Services, Illumina
Classification: Uncertain significance for Woodhouse-Sakati syndrome. Last evaluated: 2017-04-27. Review status: criteria provided, single submitter. Criteria: ICSL Variant Classification Criteria 13 December 2019. Collection method: clinical testing. Allele origin: germline.
Comment: This variant was observed as part of a predisposition screen in an ostensibly healthy population. A literature search was performed for the gene, cDNA change, and amino acid change (where applicable). Publications were found based on this search. However, the evidence from the literature, in combination with allele frequency data from public databases where available, was not sufficient to rule this variant in or out of causing disease. Therefore, this variant is classified as a variant of unknown significance.

Literature cited by the submitters: PubMed 26612766 (cited by Illumina Laboratory Services, Illumina).